The following is an entry in ClinVar:

ClinVar aggregate classification (germline): Likely benign. Review status: criteria provided, single submitter (1 of 4 stars). 2 submissions from 2 submitters: Likely benign (1). 1 of the submissions does not count toward it. Last evaluated 2025-12-03.

Conditions:
LMNB1-related disorder. Also called: LMNB1-related condition; LMNB1-Related Disorders.

Allele frequency attached by ClinVar (database versions not stated): gnomAD exomes 0.00002; ExAC 0.00005; gnomAD 0.00018; TOPMed 0.00022; 1000 Genomes Project 30x 0.00031; 1000 Genomes Project 0.00040.
gnomAD v4.1: 55 of 1,613,790 alleles (0.0034%); highest among the groups gnomAD compares: African/African-American, 0.032%; no homozygotes.

Submissions (3):

Labcorp Genetics (formerly Invitae), Labcorp
Classification: Likely benign. Last evaluated: 2025-12-03. Review status: criteria provided, single submitter. Criteria: Invitae Variant Classification Sherloc (09022015). Collection method: clinical testing. Allele origin: germline.

PreventionGenetics, part of Exact Sciences
Classification: Likely benign for LMNB1-related condition. Last evaluated: 2019-02-22. Review status: no assertion criteria provided. Collection method: clinical testing. Allele origin: germline. Not counted in ClinVar's aggregate classification.
Comment: This variant is classified as likely benign based on ACMG/AMP sequence variant interpretation guidelines (Richards et al. 2015 PMID: 25741868, with internal and published modifications).

Dr. Peter K. Rogan Lab, Western University
No classification provided (evidence only). Condition: Cervical cancer. Review status: no classification provided. Collection method: in vitro. Allele origin: not applicable. Functional consequence: retained intron. Not counted in ClinVar's aggregate classification.

NM_005573.4(LMNB1):c.1572C>T (p.Gly524=)

Gene: LMNB1 (lamin B1; plus strand). Cytogenetic location: 5q23.2.
Variant type: single nucleotide variant.
Coding change: c.1572C>T on transcript NM_005573.4 (MANE Select); coding-DNA position 1572, C replaced by T.
Protein change: p.Gly524=; no amino-acid change (glycine 524 retained).
Molecular consequence: synonymous variant. On other transcripts: non-coding transcript variant (2).
Genome position (GRCh38, 1-based): chr5:126,826,068, C>T. VCF-style: chr5-126826068-C-T. GRCh37 (hg19) VCF-style: chr5-126161760-C-T.
Other names: NC_000005.9:g.126161760C>T; c.942C>T, p.Gly314= (NM_001198557.2).
Identifiers: ClinVar variation 3057796 (VCV003057796.4), dbSNP rs182569011, ClinGen allele CA3390757.